The following is an entry in ClinVar:

NM_198282.4(STING1):c.730A>T (p.Ile244Phe)

Gene: STING1 (stimulator of interferon response cGAMP interactor 1; minus strand). Cytogenetic location: 5q31.2.
Variant type: single nucleotide variant.
Coding change: c.730A>T on transcript NM_198282.4 (MANE Select); coding-DNA position 730, A replaced by T.
Protein change: p.Ile244Phe; replaces isoleucine 244 with phenylalanine.
Molecular consequence: missense variant.
Genome position (GRCh38, 1-based): chr5:139,478,299, T>A on the plus strand (A>T on the coding strand, the complement: STING1 is on the minus strand). VCF-style: chr5-139478299-T-A. GRCh37 (hg19) VCF-style: chr5-138857884-T-A.
Other names: c.730A>T, p.Ile244Phe (NM_001301738.2); c.373A>T, p.Ile125Phe (NM_001367258.1); short protein forms I244F, I125F.
Identifiers: ClinVar variation 4690690 (VCV004690690.1).

ClinVar aggregate classification (germline): Uncertain significance (1 of 4 stars; one submission).

Conditions:
STING-associated vasculopathy with onset in infancy. Also called: Sting-associated vasculopathy, infantile-onset. Identifiers: Orphanet 425120, MedGen C4014722, MONDO:0014405, OMIM 615934.

Submission:

Labcorp Genetics (formerly Invitae), Labcorp
Classification: Uncertain significance for STING-associated vasculopathy with onset in infancy. Last evaluated: 2025-11-22. Review status: criteria provided, single submitter. Criteria: Invitae Variant Classification Sherloc (09022015). Collection method: clinical testing. Allele origin: germline.
Comment: This sequence change replaces isoleucine, which is neutral and non-polar, with phenylalanine, which is neutral and non-polar, at codon 244 of the TMEM173 protein (p.Ile244Phe). This variant is present in population databases (no rsID available, gnomAD 0.007%). This variant has not been reported in the literature in individuals affected with TMEM173-related conditions. Invitae Evidence Modeling of protein sequence and biophysical properties (such as structural, functional, and spatial information, amino acid conservation, physicochemical variation, residue mobility, and thermodynamic stability) indicates that this missense variant is expected to disrupt TMEM173 protein function with a positive predictive value of 80%. In summary, the available evidence is currently insufficient to determine the role of this variant in disease. Therefore, it has been classified as a Variant of Uncertain Significance.